The following is an entry in ClinVar:

ClinVar aggregate classification (germline): Uncertain significance (1 of 4 stars; one submission).

Conditions:
Werner syndrome (WRN). Identifiers: Orphanet 902, MedGen C0043119, MONDO:0010196, OMIM 277700.

Allele frequency attached by ClinVar (database versions not stated): TOPMed below 0.00001; ExAC 0.00001; gnomAD exomes below 0.00001.
gnomAD v4.1: 1 of 1,613,052 alleles (0.000062%); highest among the groups gnomAD compares: South Asian, 0.0011%; no homozygotes.

Submission:

Labcorp Genetics (formerly Invitae), Labcorp
Classification: Uncertain significance for Werner syndrome. Last evaluated: 2018-05-01. Review status: criteria provided, single submitter. Criteria: Invitae Variant Classification Sherloc (09022015). Collection method: clinical testing. Allele origin: germline.
Comment: This sequence change replaces tyrosine with histidine at codon 849 of the WRN protein (p.Tyr849His). The tyrosine residue is highly conserved and there is a moderate physicochemical difference between tyrosine and histidine. In summary, the available evidence is currently insufficient to determine the role of this variant in disease. Therefore, it has been classified as a Variant of Uncertain Significance. Algorithms developed to predict the effect of missense changes on protein structure and function (SIFT, PolyPhen-2, Align-GVGD) all suggest that this variant is likely to be disruptive, but these predictions have not been confirmed by published functional studies and their clinical significance is uncertain. This variant has not been reported in the literature in individuals with WRN-related disease. This variant is present in population databases (rs757089385, ExAC 0.006%).

NM_000553.6(WRN):c.2545T>C (p.Tyr849His)

Gene: WRN (WRN RecQ like helicase; plus strand). Cytogenetic location: 8p12.
Variant type: single nucleotide variant.
Coding change: c.2545T>C on transcript NM_000553.6 (MANE Select); coding-DNA position 2545, T replaced by C.
Protein change: p.Tyr849His; replaces tyrosine 849 with histidine.
Molecular consequence: missense variant.
Genome position (GRCh38, 1-based): chr8:31,120,339, T>C. VCF-style: chr8-31120339-T-C. GRCh37 (hg19) VCF-style: chr8-30977855-T-C.
Other names: short protein forms Y849H.
Identifiers: ClinVar variation 570869 (VCV000570869.4), dbSNP rs757089385, ClinGen allele CA4704776.